The following is an entry in ClinVar:

NM_001267550.2(TTN):c.12405del (p.Asn4135fs)

Gene: TTN (titin; minus strand). Cytogenetic location: 2q31.2.
Variant type: Deletion.
Coding change: c.12405del on transcript NM_001267550.2 (MANE Select); coding-DNA position 12405, one base deleted (T; older notation c.12405delT).
Protein change: p.Asn4135fs; shifts the reading frame from asparagine 4135.
Molecular consequence: frameshift variant. On other transcripts: intron variant (1).
Genome position (GRCh38, 1-based): chr2:178,740,828, A deleted on the plus strand (T on the coding strand, the reverse complement: TTN is on the minus strand). VCF-style (leftmost placement, unchanged base first): chr2-178740827-CA-C. GRCh37 (hg19) VCF-style: chr2-179605554-CA-C.
Other names: c.11454delT (NM_001256850.1); c.11316delT (NM_003319.4); c.11454del, p.Asn3818fs (NM_001256850.1); c.11316del, p.Asn3772fs (NM_003319.4); c.11691del, p.Asn3897fs (NM_133432.3); c.11892del, p.Asn3964fs (NM_133437.4); c.10361-2468del (NM_133378.4); c.11691delT (NM_133432.3); short protein forms N3772fs, N3818fs, N3897fs, N3964fs, N4135fs.
Identifiers: ClinVar variation 166237 (VCV000166237.18), dbSNP rs727503658, ClinGen allele CA273279.

ClinVar aggregate classification (germline): Likely pathogenic. Review status: criteria provided, multiple submitters, no conflicts (2 of 4 stars). 5 submissions from 5 submitters: Likely pathogenic (4). 1 of the submissions does not count toward it. Last evaluated 2025-07-03.

Conditions:
Cardiovascular phenotype. Identifiers: MedGen CN230736.
Dilated cardiomyopathy 1G (CMD1G). Identifiers: Orphanet 154, MedGen C1858763, MONDO:0011400, OMIM 604145.
Autosomal recessive limb-girdle muscular dystrophy type 2J (LGMDR10). Also called: Limb-girdle muscular dystrophy, type 2J; MUSCULAR DYSTROPHY, LIMB-GIRDLE, AUTOSOMAL RECESSIVE 10. Identifiers: Orphanet 140922, MedGen C1837342, MONDO:0012127, OMIM 608807.
TTN-related disorder. Also called: TTN-related disorders; TTN-related condition; TTN-related disease.
Primary dilated cardiomyopathy (DCM). Also called: Dilated Cardiomyopathy. Identifiers: Orphanet 217604, MedGen C0007193, MeSH D002311, MONDO:0005021, HP:0001644. Inheritance: Various modes of inheritance.

Allele frequency attached by ClinVar (database versions not stated): TOPMed below 0.00001; gnomAD exomes below 0.00001.

Submissions (5):

Ambry Genetics
Classification: Likely pathogenic for Cardiovascular phenotype. Last evaluated: 2025-07-03. Review status: criteria provided, single submitter. Criteria: Ambry Variant Classification Scheme 2023. Collection method: clinical testing. Allele origin: germline.
Comment: The c.11316delT variant, located in coding exon 44 of the TTN gene, results from a deletion of one nucleotide at nucleotide position 11316, causing a translational frameshift with a predicted alternate stop codon (p.N3772Kfs*33). This exon is located in the I-band region of the N2-B isoform of the titin protein and is constitutively expressed in TTN transcripts (percent spliced in or PSI 100%). This variant is considered to be rare based on population cohorts in the Genome Aggregation Database (gnomAD). This variant is expected to result in loss of function by premature protein truncation or nonsense-mediated mRNA decay. While truncating variants in TTN are present in 1-3% of the general population, truncating variants in the A-band are the most common cause of dilated cardiomyopathy (Herman DS et al. N. Engl. J. Med., 2012 Feb;366:619-28; Roberts AM et al. Sci Transl Med, 2015 Jan;7:270ra6). TTN truncating variants encoded in constitutive exons (PSI >90%) have been found to be significantly associated with DCM regardless of their position in titin (Schafer S et al. Nat. Genet., 2017 01;49:46-53; Akhtar MM et al. Circ Heart Fail, 2020 Oct;13:e006832; Massier M et al. Clin Genet, 2025 Jan). Based on the majority of available evidence to date, this variant is likely to be pathogenic.

Labcorp Genetics (formerly Invitae), Labcorp
Classification: Likely pathogenic for Dilated cardiomyopathy 1G; Autosomal recessive limb-girdle muscular dystrophy type 2J. Last evaluated: 2025-05-11. Review status: criteria provided, single submitter. Criteria: Invitae Variant Classification Sherloc (09022015). Collection method: clinical testing. Allele origin: germline.
Comment: This sequence change creates a premature translational stop signal (p.Asn4135Lysfs*33) in the TTN gene. While this is not anticipated to result in nonsense mediated decay, it is expected to create a truncated TTN protein. This variant is not present in population databases (gnomAD no frequency). This variant has not been reported in the literature in individuals affected with TTN-related conditions. ClinVar contains an entry for this variant (Variation ID: 166237). This variant is located in the I band of TTN (PMID: 25589632). Truncating variants in this region have been reported in individuals affected with autosomal recessive centronuclear myopathy (PMID: 23975875, internal data). Truncating variants in this region have also been identified in individuals affected with autosomal dominant dilated cardiomyopathy and/or cardio-related conditions (PMID: 27869827, 32964742, internal data). In summary, the currently available evidence indicates that the variant is pathogenic, but additional data are needed to prove that conclusively. Therefore, this variant has been classified as Likely Pathogenic.

Rady Children's Institute for Genomic Medicine, Rady Children's Hospital San Diego
Classification: Likely pathogenic for TTN-Related Disorders. Last evaluated: 2024-03-06. Review status: criteria provided, single submitter. Criteria: ACMG Guidelines, 2015. Collection method: clinical testing. Allele origin: germline. Affected: yes.
Comment: This frameshifting variant in exon 48 of 363 is predicted to result in loss of normal protein function through either protein truncation or nonsense-mediated mRNA decay. Loss-of-function variation in TTN is an established mechanism of disease (PMID: 22335739). The c.12405del (p.Asn4135LysfsTer33) variant is located in the I-band region of TTN and is present in a constutively expressed exon (percent spliced in or PSI 100%). Loss of function variants located in constitutively expressed exons (PSI >90%) have been reported to be enriched in DCM regardless of their position in titin (PMID: 27869827). This variant has not been previously reported or functionally characterized in the literature to our knowledge. The c.12405del (p.Asn4135LysfsTer33) variant is present in the heterozygous state in the gnomAD v4 population database at a frequency of 0.0001% (1/628404) and thus is presumed to be rare. Based on the available evidence, c.12405del (p.Asn4135LysfsTer33) is classified as Likely Pathogenic.

Laboratory for Molecular Medicine, Mass General Brigham Personalized Medicine
Classification: Likely pathogenic for Primary dilated cardiomyopathy. Last evaluated: 2013-04-17. Review status: criteria provided, single submitter. Criteria: LMM Criteria. Collection method: clinical testing. Allele origin: germline. Observed: 2 variant alleles.
Comment: Data from large population studies is insufficient to assess its frequency in the general population. This framesh ift variant is predicted to alter the protein?s amino acid sequence beginning at position 3897 and lead to a premature termination codon 33 amino acids downstre am. This alteration is then predicted to lead to a truncated or absent protein. Frameshift and other truncating variants in TTN are strongly associated with DCM and the majority occur in the A-band (Herman 2012, LMM unpublished data). In su mmary, the predicted impact of this variant suggests that it is likely to be pat hogenic, but additional information is needed to fully establish its clinical si gnificance.

GeneDx
Classification: Uncertain significance. Last evaluated: 2014-10-09. Review status: flagged submission. Criteria: GeneDx Variant Classification (06012015). Collection method: clinical testing. Allele origin: germline. Affected: yes. Not counted in ClinVar's aggregate classification.
Comment: c.11454delT: p.Asn3818LysfsX33 (N3818KfsX33) in exon 46 of the TTN gene (NM_001256850.1). The normal sequence with the base that is deleted in braces is: TCAA{T}GGCA. A variant of unknown significance has been identified in the TTN gene. The c.11454delT variant has not been published as a mutation, nor has it been reported as a benign polymorphism to our knowledge. The c.11454delT variant causes a shift in reading frame starting at codon Asparagine 3818, changing it to a Lysine, and creating a premature stop codon at position 33 of the new reading frame, denoted p.Asn3818LysfsX33. This variant is expected to result in either an abnormal, truncated protein product or loss of protein from this allele through nonsense-mediated mRNA decay. However, truncating variants in the TTN gene have been reported in approximately 3% of reported control alleles (Herman D et al., 2012). Furthermore, c.11454delT is not located in the A-band region of titin, where the majority of truncating mutations associated with DCM have been reported (Herman D et al., 2012). Therefore, based on the currently available information, it is unclear whether this variant is a pathogenic mutation or a rare benign variant. The variant is found in CARDIOMYOPATHY panel(s).
ClinVar note: Reason: Older and outlier claim with insufficient supporting evidence

Literature cited by the submitters: PubMed 25589632 (cited by Labcorp Genetics (formerly Invitae), Labcorp); PubMed 23975875 (cited by Labcorp Genetics (formerly Invitae), Labcorp); PubMed 27869827 (cited by Labcorp Genetics (formerly Invitae), Labcorp); PubMed 32964742 (cited by Labcorp Genetics (formerly Invitae), Labcorp).